The following is an entry in ClinVar:

ClinVar aggregate classification (germline): Uncertain significance (1 of 4 stars; one submission).

Allele frequency attached by ClinVar (database versions not stated): ExAC 0.00001; ESP Exome Variant Server 0.00008; gnomAD 0.00009; gnomAD exomes 0.00005; TOPMed 0.00007.
gnomAD v4.1: 84 of 1,614,076 alleles (0.0052%); highest among the groups gnomAD compares: Non-Finnish European, 0.0064%; no homozygotes.

Submission:

Labcorp Genetics (formerly Invitae), Labcorp
Classification: Uncertain significance. Last evaluated: 2025-11-29. Review status: criteria provided, single submitter. Criteria: Invitae Variant Classification Sherloc (09022015). Collection method: clinical testing. Allele origin: germline.
Comment: This sequence change replaces glutamic acid, which is acidic and polar, with lysine, which is basic and polar, at codon 573 of the CSF1R protein (p.Glu573Lys). This variant is present in population databases (rs376280561, gnomAD 0.006%). This missense change has been observed in individual(s) with clinical features of CSF1R-related conditions (PMID: 29509319, 33737586). ClinVar contains an entry for this variant (Variation ID: 2918694). Invitae Evidence Modeling of protein sequence and biophysical properties (such as structural, functional, and spatial information, amino acid conservation, physicochemical variation, residue mobility, and thermodynamic stability) indicates that this missense variant is not expected to disrupt CSF1R protein function with a negative predictive value of 95%. Experimental studies have shown that this missense change affects CSF1R function (PMID: 29509319). In summary, the available evidence is currently insufficient to determine the role of this variant in disease. Therefore, it has been classified as a Variant of Uncertain Significance.

Literature cited by the submitters: PubMed 29509319; PubMed 33737586.

NM_001288705.3(CSF1R):c.1717G>A (p.Glu573Lys)

Gene: CSF1R (colony stimulating factor 1 receptor; minus strand). Cytogenetic location: 5q32.
Variant type: single nucleotide variant.
Coding change: c.1717G>A on transcript NM_001288705.3 (MANE Select); coding-DNA position 1717, G replaced by A.
Protein change: p.Glu573Lys; replaces glutamic acid 573 with lysine.
Molecular consequence: missense variant. On other transcripts: non-coding transcript variant (2).
Genome position (GRCh38, 1-based): chr5:150,061,759, C>T on the plus strand (G>A on the coding strand, the complement: CSF1R is on the minus strand). VCF-style: chr5-150061759-C-T. GRCh37 (hg19) VCF-style: chr5-149441322-C-T.
Other names: c.1717G>A, p.Glu573Lys (NM_001349736.2, NM_001375320.1, NM_005211.4); c.1273G>A, p.Glu425Lys (NM_001375321.1); short protein forms E573K, E425K.
Identifiers: ClinVar variation 2918694 (VCV002918694.3), dbSNP rs376280561, ClinGen allele CA3506730.